The following is an entry in ClinVar:

NM_031935.3(HMCN1):c.3391C>T (p.Pro1131Ser)

Gene: HMCN1 (hemicentin 1; plus strand). Cytogenetic location: 1q31.1.
Variant type: single nucleotide variant.
Coding change: c.3391C>T on transcript NM_031935.3 (MANE Select); coding-DNA position 3391, C replaced by T.
Protein change: p.Pro1131Ser; replaces proline 1131 with serine.
Molecular consequence: missense variant.
Genome position (GRCh38, 1-based): chr1:185,993,195, C>T. VCF-style: chr1-185993195-C-T. GRCh37 (hg19) VCF-style: chr1-185962327-C-T.
Other names: short protein forms P1131S.
Identifiers: ClinVar variation 1900991 (VCV001900991.5), dbSNP rs1278594934, ClinGen allele CA343869780.

ClinVar aggregate classification (germline): Uncertain significance (1 of 4 stars; one submission).

Allele frequency attached by ClinVar (database versions not stated): gnomAD 0.00001; TOPMed 0.00001.
gnomAD v4.1: 4 of 1,612,316 alleles (0.00025%); highest among the groups gnomAD compares: Non-Finnish European, 0.00034%; no homozygotes.

Submission:

Labcorp Genetics (formerly Invitae), Labcorp
Classification: Uncertain significance. Last evaluated: 2022-09-01. Review status: criteria provided, single submitter. Criteria: Invitae Variant Classification Sherloc (09022015). Collection method: clinical testing. Allele origin: germline.
Comment: In summary, the available evidence is currently insufficient to determine the role of this variant in disease. Therefore, it has been classified as a Variant of Uncertain Significance. Algorithms developed to predict the effect of missense changes on protein structure and function output the following: SIFT: "Tolerated"; PolyPhen-2: "Possibly Damaging"; Align-GVGD: "Class C0". The serine amino acid residue is found in multiple mammalian species, which suggests that this missense change does not adversely affect protein function. This variant has not been reported in the literature in individuals affected with HMCN1-related conditions. This variant is not present in population databases (gnomAD no frequency). This sequence change replaces proline, which is neutral and non-polar, with serine, which is neutral and polar, at codon 1131 of the HMCN1 protein (p.Pro1131Ser).